The following is an entry in ClinVar:

NM_015662.3(IFT172):c.4351A>G (p.Thr1451Ala)

Gene: IFT172 (intraflagellar transport 172; minus strand). Cytogenetic location: 2p23.3.
Variant type: single nucleotide variant.
Coding change: c.4351A>G on transcript NM_015662.3 (MANE Select); coding-DNA position 4351, A replaced by G.
Protein change: p.Thr1451Ala; replaces threonine 1451 with alanine.
Molecular consequence: missense variant.
Genome position (GRCh38, 1-based): chr2:27,448,992, T>C on the plus strand (A>G on the coding strand, the complement: IFT172 is on the minus strand). VCF-style: chr2-27448992-T-C. GRCh37 (hg19) VCF-style: chr2-27671859-T-C.
Other names: c.4351A>G (NM_015662.2, NM_015662.1); short protein forms T1451A.
Identifiers: ClinVar variation 1444452 (VCV001444452.11), dbSNP rs761701917, ClinGen allele CA1579635.

ClinVar aggregate classification (germline): Uncertain significance. Review status: criteria provided, multiple submitters, no conflicts (2 of 4 stars). 5 submissions from 5 submitters: Uncertain significance (5). Last evaluated 2025-05-05.

Conditions:
Retinitis pigmentosa 71 (RP71). Identifiers: Orphanet 791, MedGen C4225342, MONDO:0014618, OMIM 616394.
Bardet-Biedl syndrome 20. Identifiers: MedGen C4310707, MONDO:0023670, OMIM 619471, MONDO:0014926.
Short-rib thoracic dysplasia 10 with or without polydactyly (SRTD10). Identifiers: Orphanet 474, MedGen C3810175, MONDO:0014284, OMIM 615630.
Inborn genetic diseases. Identifiers: MedGen C0950123, MeSH D030342.

Allele frequency attached by ClinVar (database versions not stated): gnomAD exomes below 0.00001 and 0.00001; ExAC 0.00001; gnomAD 0.00001; TOPMed 0.00002.
gnomAD v4.1: 7 of 1,611,358 alleles (0.00043%); highest among the groups gnomAD compares: Non-Finnish European, 0.00059%; no homozygotes.

Submissions (5):

Labcorp Genetics (formerly Invitae), Labcorp
Classification: Uncertain significance for Retinitis pigmentosa 71; Short-rib thoracic dysplasia 10 with or without polydactyly. Last evaluated: 2025-05-05. Review status: criteria provided, single submitter. Criteria: Invitae Variant Classification Sherloc (09022015). Collection method: clinical testing. Allele origin: germline.
Comment: This sequence change replaces threonine, which is neutral and polar, with alanine, which is neutral and non-polar, at codon 1451 of the IFT172 protein (p.Thr1451Ala). This variant is present in population databases (rs761701917, gnomAD 0.007%). This variant has not been reported in the literature in individuals affected with IFT172-related conditions. ClinVar contains an entry for this variant (Variation ID: 1444452). Invitae Evidence Modeling of protein sequence and biophysical properties (such as structural, functional, and spatial information, amino acid conservation, physicochemical variation, residue mobility, and thermodynamic stability) indicates that this missense variant is not expected to disrupt IFT172 protein function with a negative predictive value of 95%. In summary, the available evidence is currently insufficient to determine the role of this variant in disease. Therefore, it has been classified as a Variant of Uncertain Significance.

Ambry Genetics
Classification: Uncertain significance for Inborn genetic diseases. Last evaluated: 2025-04-29. Review status: criteria provided, single submitter. Criteria: Ambry Variant Classification Scheme 2023. Collection method: clinical testing. Allele origin: germline.

GeneDx
Classification: Uncertain significance. Last evaluated: 2023-04-11. Review status: criteria provided, single submitter. Criteria: GeneDx Variant Classification Process June 2021. Collection method: clinical testing. Allele origin: germline. Affected: yes.
Comment: Not observed at significant frequency in large population cohorts (gnomAD); In silico analysis supports that this missense variant does not alter protein structure/function; Has not been previously published as pathogenic or benign to our knowledge

Blueprint Genetics
Classification: Uncertain significance. Last evaluated: 2022-02-14. Review status: criteria provided, single submitter. Criteria: ACMG Guidelines, 2015. Collection method: clinical testing. Allele origin: germline.

Fulgent Genetics
Classification: Uncertain significance for Short-rib thoracic dysplasia 10 with or without polydactyly; Retinitis pigmentosa 71; Bardet-Biedl syndrome 20. Last evaluated: 2021-11-01. Review status: criteria provided, single submitter. Criteria: ACMG Guidelines, 2015. Collection method: clinical testing. Allele origin: unknown.